The following is an entry in ClinVar:

NM_001330700.2(TOP2B):c.3908C>T (p.Pro1303Leu)

Gene: TOP2B (DNA topoisomerase II beta; minus strand). Cytogenetic location: 3p24.2.
Variant type: single nucleotide variant.
Coding change: c.3908C>T on transcript NM_001330700.2 (MANE Select); coding-DNA position 3908, C replaced by T.
Protein change: p.Pro1303Leu; replaces proline 1303 with leucine.
Molecular consequence: missense variant.
Genome position (GRCh38, 1-based): chr3:25,609,591, G>A on the plus strand (C>T on the coding strand, the complement: TOP2B is on the minus strand). VCF-style: chr3-25609591-G-A. GRCh37 (hg19) VCF-style: chr3-25651082-G-A.
Other names: c.3893C>T, p.Pro1298Leu (NM_001068.3); short protein forms P1298L, P1303L.
Identifiers: ClinVar variation 3695991 (VCV003695991.2).
Genomic context (GRCh38, chr3:25,609,591, plus strand): 5'-TCTCTCACACACATGCAAAACTATAATCATTTCTCACCAGGCTCCTTCTTCTCCCTCTTA[G>A]GTTTGGGACCTTTATTTATAGGAACTGATGGAGTCAATGCCTCTTCTCCTGCACCTTCTA-3'
Protein context (NP_001317629.1, residues 1293-1313): PSVPINKGPK[Pro1303Leu]KREKKEPGTR

ClinVar aggregate classification (germline): Uncertain significance (1 of 4 stars; one submission).

Submission:

Labcorp Genetics (formerly Invitae), Labcorp
Classification: Uncertain significance. Last evaluated: 2024-05-31. Review status: criteria provided, single submitter. Criteria: Invitae Variant Classification Sherloc (09022015). Collection method: clinical testing. Allele origin: germline.
Comment: This sequence change replaces proline, which is neutral and non-polar, with leucine, which is neutral and non-polar, at codon 1298 of the TOP2B protein (p.Pro1298Leu). This variant is not present in population databases (gnomAD no frequency). This variant has not been reported in the literature in individuals affected with TOP2B-related conditions. An algorithm developed to predict the effect of missense changes on protein structure and function (PolyPhen-2) suggests that this variant is likely to be tolerated. In summary, the available evidence is currently insufficient to determine the role of this variant in disease. Therefore, it has been classified as a Variant of Uncertain Significance.